The following is an entry in ClinVar:

ClinVar aggregate classification (germline): Uncertain significance (1 of 4 stars; one submission).

Conditions:
Bardet-Biedl syndrome (BBS). Identifiers: Orphanet 110, MedGen C0752166, MONDO:0015229.

Allele frequency attached by ClinVar (database versions not stated): TOPMed below 0.00001.

Submission:

Labcorp Genetics (formerly Invitae), Labcorp
Classification: Uncertain significance for Bardet-Biedl syndrome. Last evaluated: 2025-07-31. Review status: criteria provided, single submitter. Criteria: Invitae Variant Classification Sherloc (09022015). Collection method: clinical testing. Allele origin: germline.
Comment: This sequence change replaces cysteine, which is neutral and slightly polar, with tyrosine, which is neutral and polar, at codon 520 of the WDPCP protein (p.Cys520Tyr). This variant is not present in population databases (gnomAD no frequency). This variant has not been reported in the literature in individuals affected with WDPCP-related conditions. ClinVar contains an entry for this variant (Variation ID: 1367265). Invitae Evidence Modeling of protein sequence and biophysical properties (such as structural, functional, and spatial information, amino acid conservation, physicochemical variation, residue mobility, and thermodynamic stability) indicates that this missense variant is expected to disrupt WDPCP protein function with a positive predictive value of 80%. In summary, the available evidence is currently insufficient to determine the role of this variant in disease. Therefore, it has been classified as a Variant of Uncertain Significance.

NM_015910.7(WDPCP):c.1559G>A (p.Cys520Tyr)

Gene: WDPCP (WD repeat containing planar cell polarity effector; minus strand). Cytogenetic location: 2p15.
Variant type: single nucleotide variant.
Coding change: c.1559G>A on transcript NM_015910.7 (MANE Select); coding-DNA position 1559, G replaced by A.
Protein change: p.Cys520Tyr; replaces cysteine 520 with tyrosine.
Molecular consequence: missense variant. On other transcripts: non-coding transcript variant (3).
Genome position (GRCh38, 1-based): chr2:63,381,971, C>T on the plus strand (G>A on the coding strand, the complement: WDPCP is on the minus strand). VCF-style: chr2-63381971-C-T. GRCh37 (hg19) VCF-style: chr2-63609106-C-T.
Other names: c.1082G>A, p.Cys361Tyr (NM_001042692.3); c.1487G>A, p.Cys496Tyr (NM_001354044.2); c.1559G>A, p.Cys520Tyr (NM_001354045.2); short protein forms C520Y, C361Y, C496Y.
Identifiers: ClinVar variation 1367265 (VCV001367265.6), dbSNP rs1692347777, ClinGen allele CA347063251.